The following is an entry in ClinVar:

ClinVar aggregate classification (germline): Uncertain significance (1 of 4 stars; one submission).

Submission:

Labcorp Genetics (formerly Invitae), Labcorp
Classification: Uncertain significance. Last evaluated: 2022-10-25. Review status: criteria provided, single submitter. Criteria: Invitae Variant Classification Sherloc (09022015). Collection method: clinical testing. Allele origin: germline.
Comment: This sequence change replaces glycine, which is neutral and non-polar, with arginine, which is basic and polar, at codon 290 of the A2ML1 protein (p.Gly290Arg). This variant is not present in population databases (gnomAD no frequency). This variant has not been reported in the literature in individuals affected with A2ML1-related conditions. Algorithms developed to predict the effect of missense changes on protein structure and function (SIFT, PolyPhen-2, Align-GVGD) all suggest that this variant is likely to be disruptive. Algorithms developed to predict the effect of sequence changes on RNA splicing suggest that this variant may create or strengthen a splice site. In summary, the available evidence is currently insufficient to determine the role of this variant in disease. Therefore, it has been classified as a Variant of Uncertain Significance.

NM_144670.6(A2ML1):c.868G>C (p.Gly290Arg)

Gene: A2ML1 (alpha-2-macroglobulin like 1; plus strand). Cytogenetic location: 12p13.31.
Variant type: single nucleotide variant.
Coding change: c.868G>C on transcript NM_144670.6 (MANE Select); coding-DNA position 868, G replaced by C.
Protein change: p.Gly290Arg; replaces glycine 290 with arginine.
Molecular consequence: missense variant.
Genome position (GRCh38, 1-based): chr12:8,838,348, G>C. VCF-style: chr12-8838348-G-C. GRCh37 (hg19) VCF-style: chr12-8990944-G-C.
Other names: short protein forms G290R.
Identifiers: ClinVar variation 1722120 (VCV001722120.5), dbSNP rs2136781223, ClinGen allele CA383823291.